The following is an entry in ClinVar:

ClinVar aggregate classification (germline): Uncertain significance (1 of 4 stars; one submission).

Conditions:
Lymphoproliferative syndrome 2 (LPFS2). Also called: CD27 DEFICIENCY; Combined immunodeficiency due to CD27 deficiency. Identifiers: Orphanet 238505, MedGen C3554540, MONDO:0014054, OMIM 615122.

Allele frequency attached by ClinVar (database versions not stated): gnomAD 0.00006; TOPMed 0.00008.

Submission:

Labcorp Genetics (formerly Invitae), Labcorp
Classification: Uncertain significance for Lymphoproliferative syndrome 2. Last evaluated: 2023-12-22. Review status: criteria provided, single submitter. Criteria: Invitae Variant Classification Sherloc (09022015). Collection method: clinical testing. Allele origin: germline.
Comment: This sequence change replaces arginine, which is basic and polar, with histidine, which is basic and polar, at codon 107 of the CD27 protein (p.Arg107His). This variant is present in population databases (no rsID available, gnomAD 0.004%). This variant has not been reported in the literature in individuals affected with CD27-related conditions. ClinVar contains an entry for this variant (Variation ID: 954101). Advanced modeling of protein sequence and biophysical properties (such as structural, functional, and spatial information, amino acid conservation, physicochemical variation, residue mobility, and thermodynamic stability) performed at Invitae indicates that this missense variant is not expected to disrupt CD27 protein function with a negative predictive value of 80%. In summary, the available evidence is currently insufficient to determine the role of this variant in disease. Therefore, it has been classified as a Variant of Uncertain Significance.

NM_001242.5(CD27):c.320G>A (p.Arg107His)

Genes: CD27 (CD27 molecule; plus strand), CD27-AS1 (CD27 antisense RNA 1; minus strand). Cytogenetic location: 12p13.31.
Variant type: single nucleotide variant.
Coding change: c.320G>A on transcript NM_001242.5 (MANE Select); coding-DNA position 320, G replaced by A.
Protein change: p.Arg107His; replaces arginine 107 with histidine.
Molecular consequence: missense variant.
Genome position (GRCh38, 1-based): chr12:6,450,224, G>A. VCF-style: chr12-6450224-G-A. GRCh37 (hg19) VCF-style: chr12-6559390-G-A.
Other names: short protein forms R107H.
Identifiers: ClinVar variation 954101 (VCV000954101.9), dbSNP rs376790183, ClinGen allele CA232321788.